The following is an entry in ClinVar:

NM_206926.2(SELENON):c.475G>A (p.Ala159Thr)

Gene: SELENON (selenoprotein N; plus strand). Cytogenetic location: 1p36.11.
Variant type: single nucleotide variant.
Coding change: c.475G>A on transcript NM_206926.2 (MANE Select); coding-DNA position 475, G replaced by A.
Protein change: p.Ala159Thr; replaces alanine 159 with threonine.
Molecular consequence: missense variant.
Genome position (GRCh38, 1-based): chr1:25,808,619, G>A. VCF-style: chr1-25808619-G-A. GRCh37 (hg19) VCF-style: chr1-26135110-G-A.
Other names: c.577G>A, p.Ala193Thr (NM_020451.3); short protein forms A159T, A193T.
Identifiers: ClinVar variation 2181777 (VCV002181777.4), dbSNP rs2524981568, ClinGen allele CA339111612.

ClinVar aggregate classification (germline): Uncertain significance (1 of 4 stars; one submission).

Conditions:
Eichsfeld type congenital muscular dystrophy (CMYO3). Also called: SELENON-related myopathy; Congenital myopathy 3 with rigid spine; Rigid spine muscular dystrophy 1; MYOPATHY, SEPN1-RELATED. Identifiers: MedGen C0410180, MONDO:0100100, OMIM 602771.

Allele frequency attached by ClinVar (database versions not stated): gnomAD exomes below 0.00001.
gnomAD v4.1: 2 of 1,613,788 alleles (0.00012%); highest among the groups gnomAD compares: Non-Finnish European, 0.00017%; no homozygotes.

Submission:

Labcorp Genetics (formerly Invitae), Labcorp
Classification: Uncertain significance for Eichsfeld type congenital muscular dystrophy. Last evaluated: 2022-05-31. Review status: criteria provided, single submitter. Criteria: Invitae Variant Classification Sherloc (09022015). Collection method: clinical testing. Allele origin: germline.
Comment: This sequence change replaces alanine, which is neutral and non-polar, with threonine, which is neutral and polar, at codon 193 of the SELENON protein (p.Ala193Thr). This variant is not present in population databases (gnomAD no frequency). This variant has not been reported in the literature in individuals affected with SELENON-related conditions. Algorithms developed to predict the effect of missense changes on protein structure and function (SIFT, PolyPhen-2, Align-GVGD) all suggest that this variant is likely to be tolerated. In summary, the available evidence is currently insufficient to determine the role of this variant in disease. Therefore, it has been classified as a Variant of Uncertain Significance.